The following is an entry in ClinVar:

NM_002599.5(PDE2A):c.1922G>A (p.Arg641Gln)

Gene: PDE2A (phosphodiesterase 2A; minus strand). Cytogenetic location: 11q13.4.
Variant type: single nucleotide variant.
Coding change: c.1922G>A on transcript NM_002599.5 (MANE Select); coding-DNA position 1922, G replaced by A.
Protein change: p.Arg641Gln; replaces arginine 641 with glutamine.
Molecular consequence: missense variant.
Genome position (GRCh38, 1-based): chr11:72,581,877, C>T on the plus strand (G>A on the coding strand, the complement: PDE2A is on the minus strand). VCF-style: chr11-72581877-C-T. GRCh37 (hg19) VCF-style: chr11-72292921-C-T.
Other names: c.1901G>A, p.Arg634Gln (NM_001143839.4); c.1895G>A, p.Arg632Gln (NM_001146209.3); c.1859G>A, p.Arg620Gln (NM_001243784.2); short protein forms R632Q, R620Q, R634Q, R641Q.
Identifiers: ClinVar variation 2088213 (VCV002088213.4), dbSNP rs770576443, ClinGen allele CA6172006.

ClinVar aggregate classification (germline): Uncertain significance (1 of 4 stars; one submission).

Allele frequency attached by ClinVar (database versions not stated): gnomAD exomes below 0.00001; ExAC 0.00001; TOPMed 0.00002.
gnomAD v4.1: 3 of 1,613,696 alleles (0.00019%); highest among the groups gnomAD compares: South Asian, 0.0022%; no homozygotes.

Submission:

Labcorp Genetics (formerly Invitae), Labcorp
Classification: Uncertain significance. Last evaluated: 2022-07-11. Review status: criteria provided, single submitter. Criteria: Invitae Variant Classification Sherloc (09022015). Collection method: clinical testing. Allele origin: germline.
Comment: This sequence change replaces arginine, which is basic and polar, with glutamine, which is neutral and polar, at codon 641 of the PDE2A protein (p.Arg641Gln). This variant also falls at the last nucleotide of exon 22, which is part of the consensus splice site for this exon. This variant is not present in population databases (gnomAD no frequency). In summary, the available evidence is currently insufficient to determine the role of this variant in disease. Therefore, it has been classified as a Variant of Uncertain Significance. Variants that disrupt the consensus splice site are a relatively common cause of aberrant splicing (PMID: 17576681, 9536098). Algorithms developed to predict the effect of sequence changes on RNA splicing suggest that this variant may disrupt the consensus splice site. Algorithms developed to predict the effect of missense changes on protein structure and function are either unavailable or do not agree on the potential impact of this missense change (SIFT: "Tolerated"; PolyPhen-2: "Possibly Damaging"; Align-GVGD: "Class C0"). This variant has not been reported in the literature in individuals affected with PDE2A-related conditions.

Literature cited by the submitters: PubMed 17576681; PubMed 9536098.